The following is an entry in ClinVar:

ClinVar aggregate classification (germline): Benign. Review status: criteria provided, multiple submitters, no conflicts (2 of 4 stars). 14 submissions from 11 submitters: Benign (11). 3 of the submissions do not count toward it. Last evaluated 2026-02-04.

Conditions:
UV-sensitive syndrome 1 (UVSS1). Identifiers: Orphanet 178338, MedGen C3551173, MONDO:0010909, OMIM 600630.
DE SANCTIS-CACCHIONE SYNDROME. Identifiers: MedGen C0265201, MONDO:0010217, OMIM 278800.
Cerebrooculofacioskeletal syndrome 1 (COFS1). Also called: Cerebro-oculo-facio-skeletal syndrome 1. Identifiers: MedGen C0220722, MONDO:0008955, OMIM 214150.
Cockayne syndrome type 2 (CSB). Also called: Cockayne Syndrome, Type II; COCKAYNE SYNDROME B. Identifiers: Orphanet 191, Orphanet 90322, MedGen C0751038, MONDO:0019570, OMIM 133540.

Allele frequency attached by ClinVar (database versions not stated): 1000 Genomes Project 30x 0.25172; 1000 Genomes Project 0.25419; TOPMed 0.30488; gnomAD 0.31596; ESP Exome Variant Server 0.32377; ExAC 0.33701; gnomAD exomes 0.33997 and 0.38925.
gnomAD v4.1: 615,302 of 1,613,566 alleles (38%); highest among the groups gnomAD compares: Non-Finnish European, 42%; 122,627 homozygotes.

Submissions (14):

Labcorp Genetics (formerly Invitae), Labcorp
Classification: Benign. Last evaluated: 2026-02-04. Review status: criteria provided, single submitter. Criteria: Invitae Variant Classification Sherloc (09022015). Collection method: clinical testing. Allele origin: germline.

Blueprint Genetics
Classification: Benign. Last evaluated: 2024-11-27. Review status: criteria provided, single submitter. Criteria: ACMG Guidelines, 2015. Collection method: clinical testing. Allele origin: germline.

Genome-Nilou Lab
Classification: Benign for Cerebrooculofacioskeletal syndrome 1. Last evaluated: 2021-07-30. Review status: criteria provided, single submitter. Criteria: ACMG Guidelines, 2015. Collection method: clinical testing. Allele origin: germline. Affected: no.

Genome-Nilou Lab
Classification: Benign for Cockayne syndrome type 2. Last evaluated: 2021-07-30. Review status: criteria provided, single submitter. Criteria: ACMG Guidelines, 2015. Collection method: clinical testing. Allele origin: germline. Affected: no.

Genome-Nilou Lab
Classification: Benign for DE SANCTIS-CACCHIONE SYNDROME. Last evaluated: 2021-07-30. Review status: criteria provided, single submitter. Criteria: ACMG Guidelines, 2015. Collection method: clinical testing. Allele origin: germline. Affected: no.

Genome-Nilou Lab
Classification: Benign for UV-sensitive syndrome 1. Last evaluated: 2021-07-30. Review status: criteria provided, single submitter. Criteria: ACMG Guidelines, 2015. Collection method: clinical testing. Allele origin: germline. Affected: no.

GeneDx
Classification: Benign. Last evaluated: 2018-11-11. Review status: criteria provided, single submitter. Criteria: GeneDx Variant Classification Process June 2021. Collection method: clinical testing. Allele origin: germline. Affected: yes.

Mayo Clinic Laboratories, Mayo Clinic
Classification: Benign. Last evaluated: 2017-07-24. Review status: criteria provided, single submitter. Criteria: ACMG Guidelines, 2015. Collection method: clinical testing. Allele origin: germline. Observed: 432 variant alleles.

Breakthrough Genomics
Classification: Benign. Review status: criteria provided, single submitter. Criteria: ACMG Guidelines, 2015. Collection method: not provided. Allele origin: germline. Inheritance: Autosomal recessive inheritance. Affected: yes.

Claritas Genomics
Classification: Benign. Review status: criteria provided, single submitter. Criteria: ACMG Guidelines, 2007. Collection method: clinical testing. Allele origin: germline. Inheritance: Autosomal recessive inheritance.

PreventionGenetics, part of Exact Sciences
Classification: Benign. Review status: criteria provided, single submitter. Criteria: ACMG Guidelines, 2015. Collection method: clinical testing. Allele origin: germline.

Clinical Genetics DNA and cytogenetics Diagnostics Lab, Erasmus MC, Erasmus Medical Center
Classification: Benign. Review status: no assertion criteria provided. Collection method: clinical testing. Allele origin: germline. Affected: yes. Study: VKGL Data-share Consensus. Not counted in ClinVar's aggregate classification.

Genetic Services Laboratory, University of Chicago
Classification: Likely benign for AllHighlyPenetrant. Review status: no assertion criteria provided. Collection method: clinical testing. Allele origin: germline. Not counted in ClinVar's aggregate classification.
Comment: Likely benign based on allele frequency in 1000 Genomes Project or ESP global frequency and its presence in a patient with a rare or unrelated disease phenotype. NOT Sanger confirmed.

Joint Genome Diagnostic Labs from Nijmegen and Maastricht, Radboudumc and MUMC+
Classification: Benign. Review status: no assertion criteria provided. Collection method: clinical testing. Allele origin: germline. Affected: yes. Study: VKGL Data-share Consensus. Not counted in ClinVar's aggregate classification.

NM_000124.4(ERCC6):c.2751C>T (p.Gly917=)

Genes: ERCC6 (ERCC excision repair 6, chromatin remodeling factor; minus strand), LOC126860933 (BRD4-independent group 4 enhancer GRCh37_chr10:50679962-50681161; plus strand). Cytogenetic location: 10q11.23.
Variant type: single nucleotide variant.
Coding change: c.2751C>T on transcript NM_000124.4 (MANE Select); coding-DNA position 2751, C replaced by T.
Protein change: p.Gly917=; no amino-acid change (glycine 917 retained).
Molecular consequence: synonymous variant.
Genome position (GRCh38, 1-based): chr10:49,472,987, G>A on the plus strand (C>T on the coding strand, the complement: ERCC6 is on the minus strand). VCF-style: chr10-49472987-G-A. GRCh37 (hg19) VCF-style: chr10-50681033-G-A.
Other names: p.Gly917=; c.2751C>T, p.Gly917= (NM_001346440.2).
Identifiers: ClinVar variation 129015 (VCV000129015.28), dbSNP rs2229760, ClinGen allele CA152780.